The following is an entry in ClinVar:

NC_000023.10:g.(?_31525378)_(31986651_?)del

Gene: DMD (dystrophin; minus strand). Cytogenetic location: Xp21.1.
Variant type: Deletion.
Identifiers: ClinVar variation 2424915 (VCV002424915.5).

ClinVar aggregate classification (germline): Pathogenic (1 of 4 stars; one submission).

Conditions:
Duchenne muscular dystrophy (DMD). Also called: Duchenne Muscular Dystrophy (DMD); MUSCULAR DYSTROPHY, PSEUDOHYPERTROPHIC PROGRESSIVE, DUCHENNE TYPE. Identifiers: Orphanet 98896, MedGen C0013264, MONDO:0010679, OMIM 310200.

Submission:

Labcorp Genetics (formerly Invitae), Labcorp
Classification: Pathogenic for Duchenne muscular dystrophy. Last evaluated: 2022-08-01. Review status: criteria provided, single submitter. Criteria: Invitae Variant Classification Sherloc (09022015). Collection method: clinical testing. Allele origin: germline.
Comment: For these reasons, this variant has been classified as Pathogenic. A similar copy number variant has been observed in individual(s) with Duchenne Muscular Dystrophy (PMID: 25972034, 33644936). This variant is a gross deletion of the genomic region encompassing exon(s) 45-56 of the DMD gene. This deletion is out-of-frame, and is expected to create a premature termination codon and result in an absent or disrupted protein product. Loss-of-function variants in DMD are known to be pathogenic (PMID: 16770791, 25007885).

Literature cited by the submitters: PubMed 25972034; PubMed 33644936; PubMed 16770791; PubMed 25007885.